The following is an entry in ClinVar:

ClinVar aggregate classification (germline): Likely benign (1 of 4 stars; one submission).

Submission:

CeGaT Center for Human Genetics Tuebingen
Classification: Likely benign. Last evaluated: 2022-07-01. Review status: criteria provided, single submitter. Criteria: CeGaT Center For Human Genetics Tuebingen Variant Classification Criteria Version 2. Collection method: clinical testing. Allele origin: germline. Affected: yes. Observed: 1 variant allele.
Comment: BRPF1: PM2:Supporting, BP4, BP7

NM_001003694.2(BRPF1):c.1575C>G (p.Thr525=)

Gene: BRPF1 (bromodomain and PHD finger containing 1; plus strand). Cytogenetic location: 3p25.3.
Variant type: single nucleotide variant.
Coding change: c.1575C>G on transcript NM_001003694.2 (MANE Select); coding-DNA position 1575, C replaced by G.
Protein change: p.Thr525=; no amino-acid change (threonine 525 retained).
Molecular consequence: synonymous variant. On other transcripts: non-coding transcript variant (1).
Genome position (GRCh38, 1-based): chr3:9,740,794, C>G. VCF-style: chr3-9740794-C-G. GRCh37 (hg19) VCF-style: chr3-9782478-C-G.
Other names: c.1575C>G, p.Thr525= (NM_001319049.2, NM_001319050.2, NM_001410704.1 and 1 more transcripts).
Identifiers: ClinVar variation 2653486 (VCV002653486.24), dbSNP rs2471480979, ClinGen allele CA432374244.